The following is an entry in ClinVar:

NM_001023570.4(IQCB1):c.264-2A>T

Gene: IQCB1 (IQ motif containing B1; minus strand). Cytogenetic location: 3q13.33.
Variant type: single nucleotide variant.
Coding change: c.264-2A>T on transcript NM_001023570.4 (MANE Select); the canonical splice acceptor site of the intron before coding-DNA position 264, A replaced by T.
Molecular consequence: splice acceptor variant.
Genome position (GRCh38, 1-based): chr3:121,826,182, T>A on the plus strand (A>T on the coding strand, the complement: IQCB1 is on the minus strand). VCF-style: chr3-121826182-T-A. GRCh37 (hg19) VCF-style: chr3-121545029-T-A.
Other names: c.264-2A>T (NM_001319107.2, NM_001023571.4).
Identifiers: ClinVar variation 167198 (VCV000167198.11), dbSNP rs727503969, ClinGen allele CA203031.

ClinVar aggregate classification (germline): Pathogenic. Review status: criteria provided, multiple submitters, no conflicts (2 of 4 stars). 3 submissions from 3 submitters: Pathogenic (3). Last evaluated 2024-03-18.

Conditions:
Nephronophthisis. Also called: Juvenile Nephronophthisis. Identifiers: Orphanet 655, MedGen C0687120, MONDO:0019005, HP:0000090.
Senior-Loken syndrome 5 (SLSN5). Identifiers: Orphanet 3156, MedGen C1836517, MONDO:0012225, OMIM 609254.

Submissions (3):

Baylor Genetics
Classification: Pathogenic for Senior-Loken syndrome 5. Last evaluated: 2024-03-18. Review status: criteria provided, single submitter. Criteria: ACMG Guidelines, 2015. Collection method: clinical testing. Allele origin: unknown.

Labcorp Genetics (formerly Invitae), Labcorp
Classification: Pathogenic for Nephronophthisis. Last evaluated: 2022-01-17. Review status: criteria provided, single submitter. Criteria: Invitae Variant Classification Sherloc (09022015). Collection method: clinical testing. Allele origin: germline.
Comment: For these reasons, this variant has been classified as Pathogenic. This sequence change affects an acceptor splice site in intron 4 of the IQCB1 gene. It is expected to disrupt RNA splicing. Variants that disrupt the donor or acceptor splice site typically lead to a loss of protein function (PMID: 16199547), and loss-of-function variants in IQCB1 are known to be pathogenic (PMID: 15723066, 21901789, 23559409, 28041643). This variant is not present in population databases (gnomAD no frequency). Disruption of this splice site has been observed in individuals with clinical features of leber congenital amaurosis (PMID: 27506978; Invitae). ClinVar contains an entry for this variant (Variation ID: 167198). Algorithms developed to predict the effect of sequence changes on RNA splicing suggest that this variant may disrupt the consensus splice site.

Eurofins Ntd Llc (ga)
Classification: Pathogenic. Last evaluated: 2014-02-05. Review status: criteria provided, single submitter. Criteria: EGL Classification Definitions. Collection method: clinical testing. Allele origin: germline. Observed: 2 variant alleles, 2 heterozygotes.

Literature cited by the submitters: PubMed 16199547 (cited by Labcorp Genetics (formerly Invitae), Labcorp); PubMed 15723066 (cited by Labcorp Genetics (formerly Invitae), Labcorp); PubMed 21901789 (cited by Labcorp Genetics (formerly Invitae), Labcorp); PubMed 23559409 (cited by Labcorp Genetics (formerly Invitae), Labcorp); PubMed 28041643 (cited by Labcorp Genetics (formerly Invitae), Labcorp); PubMed 27506978 (cited by Labcorp Genetics (formerly Invitae), Labcorp).